The following is an entry in ClinVar:

NM_001278431.2(C1QTNF5):c.37G>A (p.Ala13Thr)

Genes: C1QTNF5 (C1q and TNF related 5; minus strand), MFRP (membrane frizzled-related protein; minus strand). Cytogenetic location: 11q23.3.
Variant type: single nucleotide variant.
Coding change: c.37G>A on transcript NM_001278431.2 (MANE Select); coding-DNA position 37, G replaced by A.
Protein change: p.Ala13Thr; replaces alanine 13 with threonine.
Molecular consequence: missense variant. On other transcripts: 3 prime UTR variant (1).
Genome position (GRCh38, 1-based): chr11:119,340,361, C>T on the plus strand (G>A on the coding strand, the complement: C1QTNF5 is on the minus strand). VCF-style: chr11-119340361-C-T. GRCh37 (hg19) VCF-style: chr11-119211071-C-T.
Other names: c.37G>A, p.Ala13Thr (NM_015645.5); c.*933G>A (NM_031433.4); c.37G>A (NM_001278431.1); short protein forms A13T.
Identifiers: ClinVar variation 1020550 (VCV001020550.9), dbSNP rs1444774049, ClinGen allele CA382971082.

ClinVar aggregate classification (germline): Uncertain significance. Review status: criteria provided, multiple submitters, no conflicts (2 of 4 stars). 2 submissions from 2 submitters: Uncertain significance (2). Last evaluated 2025-10-17.

Conditions:
C1QTNF5-related disorder. Also called: C1QTNF5-related condition.

Allele frequency attached by ClinVar (database versions not stated): TOPMed below 0.00001; gnomAD exomes 0.00004.
gnomAD v4.1: 8 of 1,544,002 alleles (0.00052%); highest among the groups gnomAD compares: Admixed American, 0.014%; no homozygotes.

Submissions (2):

PreventionGenetics, part of Exact Sciences
Classification: Uncertain significance for C1QTNF5-related condition. Last evaluated: 2025-10-17. Review status: criteria provided, single submitter. Criteria: ACMG Guidelines, 2015. Collection method: clinical testing. Allele origin: germline.
Comment: The C1QTNF5 c.37G>A variant is predicted to result in the amino acid substitution p.Ala13Thr. To our knowledge, this variant has not been reported in the literature. This variant is reported in 0.025% of alleles in individuals of Latino descent in gnomAD. At this time, the clinical significance of this variant is uncertain due to the absence of conclusive functional and genetic evidence.

Labcorp Genetics (formerly Invitae), Labcorp
Classification: Uncertain significance. Last evaluated: 2022-03-10. Review status: criteria provided, single submitter. Criteria: Invitae Variant Classification Sherloc (09022015). Collection method: clinical testing. Allele origin: germline.
Comment: In summary, the available evidence is currently insufficient to determine the role of this variant in disease. Therefore, it has been classified as a Variant of Uncertain Significance. Algorithms developed to predict the effect of missense changes on protein structure and function are either unavailable or do not agree on the potential impact of this missense change (SIFT: "Tolerated"; PolyPhen-2: "Not Available"; Align-GVGD: "Class C0"). ClinVar contains an entry for this variant (Variation ID: 1020550). This variant has not been reported in the literature in individuals affected with C1QTNF5-related conditions. This variant is present in population databases (no rsID available, gnomAD 0.03%). This sequence change replaces alanine, which is neutral and non-polar, with threonine, which is neutral and polar, at codon 13 of the C1QTNF5 protein (p.Ala13Thr).